The following is an entry in ClinVar:

ClinVar aggregate classification (germline): Likely benign. Review status: criteria provided, single submitter (1 of 4 stars). 2 submissions from 2 submitters: Likely benign (1). 1 of the submissions does not count toward it. Last evaluated 2026-01-21.

Conditions:
NBAS-related disorder. Also called: NBAS-related condition.

Allele frequency attached by ClinVar (database versions not stated): gnomAD 0.00001; gnomAD exomes 0.00001; ExAC 0.00003.
gnomAD v4.1: 22 of 1,614,022 alleles (0.0014%); highest among the groups gnomAD compares: South Asian, 0.023%; no homozygotes.

Submissions (2):

Labcorp Genetics (formerly Invitae), Labcorp
Classification: Likely benign. Last evaluated: 2026-01-21. Review status: criteria provided, single submitter. Criteria: Invitae Variant Classification Sherloc (09022015). Collection method: clinical testing. Allele origin: germline.

PreventionGenetics, part of Exact Sciences
Classification: Likely benign for NBAS-related condition. Last evaluated: 2020-10-30. Review status: no assertion criteria provided. Collection method: clinical testing. Allele origin: germline. Not counted in ClinVar's aggregate classification.
Comment: This variant is classified as likely benign based on ACMG/AMP sequence variant interpretation guidelines (Richards et al. 2015 PMID: 25741868, with internal and published modifications).

NM_015909.4(NBAS):c.4764A>G (p.Pro1588=)

Gene: NBAS (NBAS subunit of NRZ tethering complex; minus strand). Cytogenetic location: 2p24.3.
Variant type: single nucleotide variant.
Coding change: c.4764A>G on transcript NM_015909.4 (MANE Select); coding-DNA position 4764, A replaced by G.
Protein change: p.Pro1588=; no amino-acid change (proline 1588 retained).
Molecular consequence: synonymous variant. On other transcripts: non-coding transcript variant (1).
Genome position (GRCh38, 1-based): chr2:15,308,249, T>C on the plus strand (A>G on the coding strand, the complement: NBAS is on the minus strand). VCF-style: chr2-15308249-T-C. GRCh37 (hg19) VCF-style: chr2-15448373-T-C.
Identifiers: ClinVar variation 3031889 (VCV003031889.3), dbSNP rs770722560, ClinGen allele CA1535515.
Genomic context (GRCh38, chr2:15,308,249, plus strand): 5'-AATAAGCTGGAAATCATGAAGACTCACCCTGTAAAGAGGATGGCACTTGTCCCTGAAACA[T>C]GGGGCCAATCGGGCATAGATCTGGAGGCTATAGTAATACGCTGCCAGCTGGAGAGATAAT-3'
Protein context (NP_056993.2, residues 1578-1598): YSLQIYARLA[Pro1588=]CFRDKCHPLY